The following is an entry in ClinVar:

NM_001040108.2(MLH3):c.666G>A (p.Lys222=)

Gene: MLH3 (mutL homolog 3; minus strand). Cytogenetic location: 14q24.3.
Variant type: single nucleotide variant.
Coding change: c.666G>A on transcript NM_001040108.2 (MANE Select); coding-DNA position 666, G replaced by A.
Protein change: p.Lys222=; no amino-acid change (lysine 222 retained).
Molecular consequence: synonymous variant.
Genome position (GRCh38, 1-based): chr14:75,048,990, C>T on the plus strand (G>A on the coding strand, the complement: MLH3 is on the minus strand). VCF-style: chr14-75048990-C-T. GRCh37 (hg19) VCF-style: chr14-75515693-C-T.
Other names: c.666G>A, p.Lys222= (NM_014381.3).
Identifiers: ClinVar variation 314391 (VCV000314391.33), dbSNP rs28756980, ClinGen allele CA7275988.

ClinVar aggregate classification (germline): Benign/Likely benign. Review status: criteria provided, multiple submitters, no conflicts (2 of 4 stars). 11 submissions from 10 submitters: Benign (8); Likely benign (2). 1 of the submissions does not count toward it. Last evaluated 2026-04-29.

Conditions:
Colorectal cancer, hereditary nonpolyposis, type 7. Identifiers: Orphanet 144, MedGen C1858380, MONDO:0013725, OMIM 614385.
Endometrial carcinoma. Also called: Endometrial carcinoma, somatic. Identifiers: MedGen C0476089, MONDO:0002447, OMIM 608089, HP:0012114.
Colorectal cancer. Also called: Malignant Colorectal Neoplasm; Colorectal cancer, somatic. Identifiers: MedGen C0346629, MONDO:0005575, OMIM 114500.

Allele frequency attached by ClinVar (database versions not stated): ExAC 0.01442; TOPMed 0.02077; 1000 Genomes Project 30x 0.02608; gnomAD exomes 0.01327; ESP Exome Variant Server 0.02076; gnomAD 0.01977; 1000 Genomes Project 0.02596.
gnomAD v4.1: 19,037 of 1,613,986 alleles (1.2%); highest among the groups gnomAD compares: African/African-American, 5.1%; 234 homozygotes.

Submissions (11):

Myriad Genetics, Inc.
Classification: Benign for Colorectal cancer, hereditary nonpolyposis, type 7. Last evaluated: 2026-04-29. Review status: criteria provided, single submitter. Criteria: Myriad Autosomal Dominant, Autosomal Recessive and X-Linked Classification Criteria (2023). Collection method: clinical testing. Allele origin: unknown.
Comment: This variant is considered benign. This variant is a silent/synonymous amino acid change and it is not expected to impact splicing.

Labcorp Genetics (formerly Invitae), Labcorp
Classification: Benign for Colorectal cancer, hereditary nonpolyposis, type 7. Last evaluated: 2026-02-04. Review status: criteria provided, single submitter. Criteria: Invitae Variant Classification Sherloc (09022015). Collection method: clinical testing. Allele origin: germline.

ARUP Laboratories, Molecular Genetics and Genomics, ARUP Laboratories
Classification: Benign. Last evaluated: 2025-03-04. Review status: criteria provided, single submitter. Criteria: ARUP Molecular Germline Variant Investigation Process 2024. Collection method: clinical testing. Allele origin: germline.

Center for Genomic Medicine, Rigshospitalet, Copenhagen University Hospital
Classification: Benign. Last evaluated: 2025-03-04. Review status: criteria provided, single submitter. Criteria: ACMG Guidelines, 2015. Collection method: clinical testing. Allele origin: germline.

KCCC/NGS Laboratory, Kuwait Cancer Control Center
Classification: Benign for Endometrial carcinoma. Last evaluated: 2025-02-01. Review status: criteria provided, single submitter. Criteria: ACMG Guidelines, 2015. Collection method: clinical testing. Allele origin: germline. Affected: no.

KCCC/NGS Laboratory, Kuwait Cancer Control Center
Classification: Benign for Colorectal cancer, hereditary nonpolyposis, type 7. Last evaluated: 2023-07-07. Review status: criteria provided, single submitter. Criteria: ACMG Guidelines, 2015. Collection method: clinical testing. Allele origin: germline. Affected: yes.

Department of Pathology and Laboratory Medicine, Sinai Health System
Classification: Benign for Colorectal cancer; Endometrial carcinoma; Colorectal cancer, hereditary nonpolyposis, type 7. Last evaluated: 2021-06-02. Review status: criteria provided, single submitter. Criteria: ACMG Guidelines, 2015. Collection method: clinical testing. Allele origin: germline. Affected: yes.

Ambry Genetics
Classification: Benign. Last evaluated: 2020-07-30. Review status: criteria provided, single submitter. Criteria: Ambry Variant Classification Scheme 2023. Collection method: clinical testing. Allele origin: germline.

Illumina Laboratory Services, Illumina
Classification: Likely benign for Colorectal cancer, hereditary nonpolyposis, type 7. Last evaluated: 2018-01-12. Review status: criteria provided, single submitter. Criteria: ICSL Variant Classification Criteria 13 December 2019. Collection method: clinical testing. Allele origin: germline.
Comment: This variant was observed in the ICSL laboratory as part of a predisposition screen in an ostensibly healthy population. It had not been previously curated by ICSL or reported in the Human Gene Mutation Database (HGMD: prior to June 1st, 2018), and was therefore a candidate for classification through an automated scoring system. Utilizing variant allele frequency, disease prevalence and penetrance estimates, and inheritance mode, an automated score was calculated to assess if this variant is too frequent to cause the disease. Based on the score and internal cut-off values, a variant classified as likely benign is not then subjected to further curation. The score for this variant resulted in a classification of likely benign for this disease.

Breakthrough Genomics
Classification: Likely benign. Review status: criteria provided, single submitter. Criteria: ACMG Guidelines, 2015. Collection method: not provided. Allele origin: germline. Inheritance: Autosomal dominant inheritance. Affected: yes.

Mayo Clinic Laboratories, Mayo Clinic
Classification: Likely benign. Review status: no assertion criteria provided. Collection method: clinical testing. Allele origin: unknown. Not counted in ClinVar's aggregate classification.